The following is an entry in ClinVar:

NM_024577.4(SH3TC2):c.650T>C (p.Leu217Ser)

Gene: SH3TC2 (SH3 domain and tetratricopeptide repeats 2; minus strand). Cytogenetic location: 5q32.
Variant type: single nucleotide variant.
Coding change: c.650T>C on transcript NM_024577.4 (MANE Select); coding-DNA position 650, T replaced by C.
Protein change: p.Leu217Ser; replaces leucine 217 with serine.
Molecular consequence: missense variant.
Genome position (GRCh38, 1-based): chr5:149,041,497, A>G on the plus strand (T>C on the coding strand, the complement: SH3TC2 is on the minus strand). VCF-style: chr5-149041497-A-G. GRCh37 (hg19) VCF-style: chr5-148421060-A-G.
Other names: short protein forms L217S.
Identifiers: ClinVar variation 2051627 (VCV002051627.4), dbSNP rs1754370621, ClinGen allele CA361674457.
Genomic context (GRCh38, chr5:149,041,497, plus strand): 5'-GGCTCCAAGGCTGACACCAGTACCAGGCCCCGCTGACCTGTCACCAAAGACACGCCTTCC[A>G]ACTCGGAGCCAGCTTCTGCCATCTTCACTGAGATTAACTCATTCTTGCAAAGTGTCAAGC-3'
Protein context (NP_078853.2, residues 207-227): SVKMAEAGSE[Leu217Ser]EGVSLVTGQR

ClinVar aggregate classification (germline): Uncertain significance (1 of 4 stars; one submission).

Conditions:
Charcot-Marie-Tooth disease type 4. Also called: Charcot-Marie-Tooth disease, type IV; Charcot-Marie-Tooth, Type 4. Identifiers: Orphanet 64749, MedGen C4082197, MONDO:0018995.

Allele frequency attached by ClinVar (database versions not stated): gnomAD exomes below 0.00001.
gnomAD v4.1: 3 of 1,614,168 alleles (0.00019%); highest among the groups gnomAD compares: Non-Finnish European, 0.00025%; no homozygotes.

Submission:

Labcorp Genetics (formerly Invitae), Labcorp
Classification: Uncertain significance for Charcot-Marie-Tooth disease type 4. Last evaluated: 2021-12-21. Review status: criteria provided, single submitter. Criteria: Invitae Variant Classification Sherloc (09022015). Collection method: clinical testing. Allele origin: germline.
Comment: In summary, the available evidence is currently insufficient to determine the role of this variant in disease. Therefore, it has been classified as a Variant of Uncertain Significance. Advanced modeling of protein sequence and biophysical properties (such as structural, functional, and spatial information, amino acid conservation, physicochemical variation, residue mobility, and thermodynamic stability) performed at Invitae indicates that this missense variant is not expected to disrupt SH3TC2 protein function. This variant has not been reported in the literature in individuals affected with SH3TC2-related conditions. This variant is not present in population databases (gnomAD no frequency). This sequence change replaces leucine, which is neutral and non-polar, with serine, which is neutral and polar, at codon 217 of the SH3TC2 protein (p.Leu217Ser).